The following is an entry in ClinVar:

ClinVar aggregate classification (germline): Likely benign. Review status: criteria provided, multiple submitters, no conflicts (2 of 4 stars). 3 submissions from 3 submitters: Likely benign (3). Last evaluated 2023-06-26.

Conditions:
Hereditary cancer-predisposing syndrome. Also called: Tumor predisposition; Neoplastic Syndromes, Hereditary; Hereditary Cancer Syndrome; Hereditary neoplastic syndrome. Identifiers: Orphanet 140162, MedGen C0027672, MeSH D009386, MONDO:0015356.
Neurofibromatosis, type 2 (SWNV). Also called: BILATERAL ACOUSTIC NEUROFIBROMATOSIS; SCHWANNOMATOSIS, VESTIBULAR; NF2-Related Schwannomatosis. Identifiers: Orphanet 637, MedGen C0027832, MONDO:0007039, OMIM 101000. Disease mechanism: loss of function.

Submissions (3):

All of Us Research Program, National Institutes of Health
Classification: Likely benign for Neurofibromatosis, type 2. Last evaluated: 2023-06-26. Review status: criteria provided, single submitter. Criteria: ACMG Guidelines, 2015. Collection method: clinical testing. Allele origin: germline. Inheritance: Autosomal dominant inheritance. Observed: 1 variant allele, 1 heterozygote.
Comment: This study involves interpretation of variants in research participants for the purpose of population health screening. Participant phenotype was not available at the time of variant classification. Additional details can be found in publication PMID: 35346344, PMCID: PMC8962531

Ambry Genetics
Classification: Likely benign for Hereditary cancer-predisposing syndrome. Last evaluated: 2022-03-19. Review status: criteria provided, single submitter. Criteria: Ambry Variant Classification Scheme 2023. Collection method: clinical testing. Allele origin: germline.

Labcorp Genetics (formerly Invitae), Labcorp
Classification: Likely benign for Neurofibromatosis, type 2. Last evaluated: 2021-07-28. Review status: criteria provided, single submitter. Criteria: Invitae Variant Classification Sherloc (09022015). Collection method: clinical testing. Allele origin: germline.

NM_000268.4(NF2):c.69C>T (p.Thr23=)

Gene: NF2 (NF2, moesin-ezrin-radixin like (MERLIN) tumor suppressor; plus strand). Cytogenetic location: 22q12.2.
Variant type: single nucleotide variant.
Coding change: c.69C>T on transcript NM_000268.4 (MANE Select); coding-DNA position 69, C replaced by T.
Protein change: p.Thr23=; no amino-acid change (threonine 23 retained).
Molecular consequence: synonymous variant. On other transcripts: non-coding transcript variant (1).
Genome position (GRCh38, 1-based): chr22:29,604,067, C>T. VCF-style: chr22-29604067-C-T. GRCh37 (hg19) VCF-style: chr22-30000056-C-T.
Other names: c.69C>T, p.Thr23= (NM_016418.5, NM_181825.3, NM_181828.3 and 5 more transcripts).
Identifiers: ClinVar variation 1463142 (VCV001463142.11), dbSNP rs2064716137, ClinGen allele CA514184246.